The following is an entry in ClinVar:

NM_003482.4(KMT2D):c.9822GCA[5] (p.Gln3282dup)

Gene: KMT2D (lysine methyltransferase 2D; minus strand). Cytogenetic location: 12q13.12.
Variant type: Microsatellite.
Coding change: c.9822GCA[5] on transcript NM_003482.4 (MANE Select); five copies in a row of the 3-base unit GCA starting at c.9822; the reference has four copies in a row; one copy, 3 bases duplicated.
Protein change: p.Gln3282dup; duplicates glutamine 3282.
Molecular consequence: inframe insertion.
Genome position (GRCh38, 1-based): chr12:49,037,523-49,037,525, TGC duplicated on the plus strand (GCA on the coding strand, the reverse complement: KMT2D is on the minus strand); duplicating any 3 consecutive bases within chr12:49,037,523-49,037,536 gives the same sequence; the position shown is the placement nearest the transcript's 3' end. VCF-style (leftmost placement, unchanged base first): chr12-49037522-T-TTGC. GRCh37 (hg19) VCF-style: chr12-49431305-T-TTGC.
Other names: c.9831_9833dupGCA (NM_003482.4).
Identifiers: ClinVar variation 572330 (VCV000572330.16), dbSNP rs768814728, ClinGen allele CA6546645.
Genomic context (GRCh38, chr12:49,037,522, plus strand): 5'-TGGCAAAGACATGGCCTGGGCAGGGCCTGGTGCAGACAGTAGGGAATGCTGCTGCTGCTG[T>TTGC]TGCTGCTGCTGCTGGGCAGGCTGCAACTGTGCTGAAAGCTGCTGCTTCTTCTGCAGCTCC-3'

ClinVar aggregate classification (germline): Conflicting classifications of pathogenicity. Review status: criteria provided, conflicting classifications (1 of 4 stars). 5 submissions from 5 submitters: Uncertain significance (2); Likely benign (2). 1 of the submissions does not count toward it. Last evaluated 2025-12-21.

Conditions:
KMT2D-related disorder. Also called: KMT2D-Related Disorders.
Kabuki syndrome 1 (KABUK1). Also called: KMT2D-Related Kabuki Syndrome. Identifiers: Orphanet 2322, MedGen CN030661, MONDO:0007843, OMIM 147920.
Kabuki syndrome. Also called: Kabuki make-up syndrome; NIIKAWA-KUROKI SYNDROME. Identifiers: Orphanet 2322, MedGen C0796004, MONDO:0016512.

Submissions (5):

Labcorp Genetics (formerly Invitae), Labcorp
Classification: Likely benign for Kabuki syndrome. Last evaluated: 2025-12-21. Review status: criteria provided, single submitter. Criteria: Invitae Variant Classification Sherloc (09022015). Collection method: clinical testing. Allele origin: germline.

Women's Health and Genetics/Laboratory Corporation of America, LabCorp
Classification: Uncertain significance. Last evaluated: 2024-10-02. Review status: criteria provided, single submitter. Criteria: LabCorp Variant Classification Summary - May 2015. Collection method: clinical testing. Allele origin: germline.
Comment: Variant summary: KMT2D c.9831_9833dupGCA (p.Gln3282dup) results in an in-frame duplication that is predicted to duplicate 1 amino acid into the encoded protein. The variant allele was found at a frequency of 5.5e-05 in 162562 control chromosomes, predominantly at a frequency of 0.00028 within the Latino subpopulation in the gnomAD database. The available data on variant occurrences in the general population are insufficient to allow any conclusion about variant significance. c.9831_9833dupGCA has been reported in the literature in individuals affected with Kabuki Syndrome and Kidney and/or genitourinary disorder, but not all the information had been provided for analysis (Hannibal_2011, Rasouly_2019). These report(s) do not provide unequivocal conclusions about association of the variant with Kabuki Syndrome 1. To our knowledge, no experimental evidence demonstrating an impact on protein function has been reported. The following publications have been ascertained in the context of this evaluation (PMID: 21671394, 30476936). ClinVar contains an entry for this variant (Variation ID: 572330). Based on the evidence outlined above, the variant was classified as uncertain significance.

GeneDx
Classification: Likely benign. Last evaluated: 2022-06-14. Review status: criteria provided, single submitter. Criteria: GeneDx Variant Classification Process June 2021. Collection method: clinical testing. Allele origin: germline. Affected: yes.
Comment: See Variant Classification Assertion Criteria.

Mendelics
Classification: Uncertain significance for Kabuki syndrome 1. Last evaluated: 2019-05-28. Review status: criteria provided, single submitter. Criteria: Mendelics Assertion Criteria 2017. Collection method: clinical testing. Allele origin: unknown.

PreventionGenetics, part of Exact Sciences
Classification: Likely benign for KMT2D-related condition. Last evaluated: 2024-09-19. Review status: no assertion criteria provided. Collection method: clinical testing. Allele origin: germline. Not counted in ClinVar's aggregate classification.
Comment: This variant is classified as likely benign based on ACMG/AMP sequence variant interpretation guidelines (Richards et al. 2015 PMID: 25741868, with internal and published modifications).

Literature cited by the submitters: PubMed 30476936 (cited by Women's Health and Genetics/Laboratory Corporation of America, LabCorp); PubMed 21671394 (cited by Women's Health and Genetics/Laboratory Corporation of America, LabCorp).